The following is an entry in ClinVar:

NM_000548.5(TSC2):c.5358del (p.Gly1787fs)

Gene: TSC2 (TSC complex subunit 2; plus strand). Cytogenetic location: 16p13.3.
Variant type: Deletion.
Coding change: c.5358del on transcript NM_000548.5 (MANE Select); coding-DNA position 5358, one base deleted (T; older notation c.5358delT).
Protein change: p.Gly1787fs; shifts the reading frame from glycine 1787.
Molecular consequence: frameshift variant.
Genome position (GRCh38, 1-based): chr16:2,088,544, T deleted. VCF-style (leftmost placement, unchanged base first): chr16-2088543-CT-C. GRCh37 (hg19) VCF-style: chr16-2138544-CT-C.
Other names: c.5157del, p.Gly1720fs (NM_001077183.3); c.5289del, p.Gly1764fs (NM_001114382.3); c.5049del, p.Gly1684fs (NM_001318827.2); c.5013del, p.Gly1672fs (NM_001318829.2); c.4626del, p.Gly1543fs (NM_001318831.2); c.5190del, p.Gly1731fs (NM_001318832.2); c.5160del, p.Gly1721fs (NM_001363528.2); c.5226del, p.Gly1743fs (NM_001370404.1); and 2 more; short protein forms G1543fs, G1672fs, G1684fs, G1720fs, G1721fs, G1731fs, G1740fs, G1743fs.
Identifiers: ClinVar variation 1313180 (VCV001313180.2), dbSNP rs2151641235, ClinGen allele CA2573054169.

ClinVar aggregate classification (germline): Uncertain significance (1 of 4 stars; one submission).

Submission:

GeneDx
Classification: Uncertain significance. Last evaluated: 2020-09-04. Review status: criteria provided, single submitter. Criteria: GeneDx Variant Classification Process June 2021. Collection method: clinical testing. Allele origin: germline. Affected: yes.
Comment: Frameshift variant predicted to result in protein truncation as the last 21 amino acids are replaced with 38 different amino acids, although loss-of-function variants have not been reported downstream of this position in the protein; Not observed in large population cohorts (Lek 2016); Has not been previously published as pathogenic or benign to our knowledge